The following is an entry in ClinVar:

ClinVar aggregate classification (germline): Uncertain significance (1 of 4 stars; one submission).

Conditions:
Overgrowth syndrome and/or cerebral malformations due to abnormalities in MTOR pathway genes. Identifiers: MedGen CN300503, MONDO:0100283.

Submission:

Victorian Clinical Genetics Services, Murdoch Childrens Research Institute
Classification: Uncertain significance for Overgrowth syndrome and/or cerebral malformations due to abnormalities in MTOR pathway genes. Last evaluated: 2019-08-28. Review status: criteria provided, single submitter. Criteria: ACMG Guidelines, 2015. Collection method: clinical testing. Allele origin: germline. Inheritance: Autosomal dominant inheritance. Affected: yes.
Comment: A heterozygous missense variant, NM_004958.3(MTOR):c.5062C>T, has been identified in exon 36 of 58 of the MTOR gene. The variant is predicted to result in a moderate amino acid change from proline to serine at position 1688 of the protein (NP_004949.1(MTOR):p.(Pro1688Ser)). The proline residue at this position has very high conservation (100 vertebrates, UCSC), and is located within the FAT domain. In silico predictions of pathogenicity for this variant are conflicting (Polyphen, SIFT, CADD, Mutation Taster). The variant is absent in the gnomAD population database. This variant has not been previously reported in clinical cases. Based on the information available at the time of curation, this variant has been classified as VARIANT of UNCERTAIN SIGNIFICANCE (VUS).

NM_004958.4(MTOR):c.5062C>T (p.Pro1688Ser)

Gene: MTOR (mechanistic target of rapamycin kinase; minus strand). Cytogenetic location: 1p36.22.
Variant type: single nucleotide variant.
Coding change: c.5062C>T on transcript NM_004958.4 (MANE Select); coding-DNA position 5062, C replaced by T.
Protein change: p.Pro1688Ser; replaces proline 1688 with serine.
Molecular consequence: missense variant.
Genome position (GRCh38, 1-based): chr1:11,139,372, G>A on the plus strand (C>T on the coding strand, the complement: MTOR is on the minus strand). VCF-style: chr1-11139372-G-A. GRCh37 (hg19) VCF-style: chr1-11199429-G-A.
Other names: c.5062C>T, p.Pro1688Ser (NM_001386500.1); c.3814C>T, p.Pro1272Ser (NM_001386501.1); short protein forms P1272S, P1688S.
Identifiers: ClinVar variation 1699346 (VCV001699346.3), dbSNP rs2100477232, ClinGen allele CA338401885.